The following is an entry in ClinVar:

NM_001148.6(ANK2):c.11714G>C (p.Arg3905Thr)

Gene: ANK2 (ankyrin 2; plus strand). Cytogenetic location: 4q26.
Variant type: single nucleotide variant.
Coding change: c.11714G>C on transcript NM_001148.6 (MANE Select); coding-DNA position 11714, G replaced by C.
Protein change: p.Arg3905Thr; replaces arginine 3905 with threonine.
Molecular consequence: missense variant. On other transcripts: intron variant (9).
Genome position (GRCh38, 1-based): chr4:113,373,304, G>C. VCF-style: chr4-113373304-G-C. GRCh37 (hg19) VCF-style: chr4-114294460-G-C.
Other names: c.5432G>C, p.Arg1811Thr (NM_001127493.3); c.5471G>C, p.Arg1824Thr (NM_001354225.2); c.5453G>C, p.Arg1818Thr (NM_001354228.2); c.5438G>C, p.Arg1813Thr (NM_001354230.2); c.5594G>C, p.Arg1865Thr (NM_001354231.2); c.5588G>C, p.Arg1863Thr (NM_001354232.2); c.5549G>C, p.Arg1850Thr (NM_001354235.2); c.5357G>C, p.Arg1786Thr (NM_001354236.2); and 50 more; short protein forms R1720T, R1756T, R1768T, R1803T, R1824T, R1846T, R1850T, R651T.
Identifiers: ClinVar variation 2919639 (VCV002919639.3), dbSNP rs1381836039, ClinGen allele CA357943553.
Genomic context (GRCh38, chr4:113,373,304, plus strand): 5'-TGTCACACAAAAATAAGATACACAAATGAAATACATTTCAGGTTACTAGGAAAATCATTA[G>C]GCGGTATGTATCCTCTGAAGGCACAGAGAAAGAAGAGATTATGGTGCAGGGAATGCCACA-3'
Protein context (NP_001139.3, residues 3895-3915): VVKKVTRKII[Arg3905Thr]RYVSSEGTEK

ClinVar aggregate classification (germline): Uncertain significance (1 of 4 stars; one submission).

Conditions:
Long QT syndrome (LQTS). Identifiers: MedGen C0023976, MeSH D008133, MONDO:0002442. Disease mechanism: loss of function. Inheritance: Various modes of inheritance.

Allele frequency attached by ClinVar (database versions not stated): gnomAD 0.00001.
gnomAD v4.1: 2 of 1,614,024 alleles (0.00012%); highest among the groups gnomAD compares: African/African-American, 0.0027%; no homozygotes.

Submission:

Labcorp Genetics (formerly Invitae), Labcorp
Classification: Uncertain significance for Long QT syndrome. Last evaluated: 2022-11-20. Review status: criteria provided, single submitter. Criteria: Invitae Variant Classification Sherloc (09022015). Collection method: clinical testing. Allele origin: germline.
Comment: In summary, the available evidence is currently insufficient to determine the role of this variant in disease. Therefore, it has been classified as a Variant of Uncertain Significance. Algorithms developed to predict the effect of missense changes on protein structure and function are either unavailable or do not agree on the potential impact of this missense change (SIFT: "Deleterious"; PolyPhen-2: "Possibly Damaging"; Align-GVGD: "Class C0"). This variant has not been reported in the literature in individuals affected with ANK2-related conditions. This variant is present in population databases (no rsID available, gnomAD 0.01%). This sequence change replaces arginine, which is basic and polar, with threonine, which is neutral and polar, at codon 3905 of the ANK2 protein (p.Arg3905Thr).